The following is an entry in ClinVar:

NM_001851.6(COL9A1):c.710G>A (p.Trp237Ter)

Gene: COL9A1 (collagen type IX alpha 1 chain; minus strand). Cytogenetic location: 6q13.
Variant type: single nucleotide variant.
Coding change: c.710G>A on transcript NM_001851.6 (MANE Select); coding-DNA position 710, G replaced by A.
Protein change: p.Trp237Ter; replaces tryptophan 237 with a stop codon.
Molecular consequence: nonsense.
Genome position (GRCh38, 1-based): chr6:70,283,807, C>T on the plus strand (G>A on the coding strand, the complement: COL9A1 is on the minus strand). VCF-style: chr6-70283807-C-T. GRCh37 (hg19) VCF-style: chr6-70993510-C-T.
Other names: c.710G>A, p.Trp237Ter (NM_001377291.1); short protein forms W237*.
Identifiers: ClinVar variation 2103496 (VCV002103496.4), dbSNP rs2483472550, ClinGen allele CA364667298.

ClinVar aggregate classification (germline): Pathogenic (1 of 4 stars; one submission).

Submission:

Labcorp Genetics (formerly Invitae), Labcorp
Classification: Pathogenic. Last evaluated: 2022-02-25. Review status: criteria provided, single submitter. Criteria: Invitae Variant Classification Sherloc (09022015). Collection method: clinical testing. Allele origin: germline.
Comment: This sequence change creates a premature translational stop signal (p.Trp237*) in the COL9A1 gene. It is expected to result in an absent or disrupted protein product. Loss-of-function variants in COL9A1 are known to be pathogenic (PMID: 16909383, 21421862). This variant is not present in population databases (gnomAD no frequency). This variant has not been reported in the literature in individuals affected with COL9A1-related conditions. For these reasons, this variant has been classified as Pathogenic.

Literature cited by the submitters: PubMed 16909383; PubMed 21421862.